The following is an entry in ClinVar:

NM_001110556.2(FLNA):c.1881C>T (p.Gly627=)

Gene: FLNA (filamin A; minus strand). Cytogenetic location: Xq28.
Variant type: single nucleotide variant.
Coding change: c.1881C>T on transcript NM_001110556.2 (MANE Select); coding-DNA position 1881, C replaced by T.
Protein change: p.Gly627=; no amino-acid change (glycine 627 retained).
Molecular consequence: synonymous variant.
Genome position (GRCh38, 1-based): chrX:154,364,667, G>A on the plus strand (C>T on the coding strand, the complement: FLNA is on the minus strand). VCF-style: chrX-154364667-G-A. GRCh37 (hg19) VCF-style: chrX-153593035-G-A.
Other names: c.1881C>T (NM_001110556.1); c.1881C>T, p.Gly627= (NM_001456.4).
Identifiers: ClinVar variation 589978 (VCV000589978.25), dbSNP rs188138322, ClinGen allele CA10561058.

ClinVar aggregate classification (germline): Benign/Likely benign. Review status: criteria provided, multiple submitters, no conflicts (2 of 4 stars). 8 submissions from 8 submitters: Benign (2); Likely benign (4). 2 of the submissions do not count toward it. Last evaluated 2026-01-12.

Conditions:
FLNA-related disorder.
Melnick-Needles syndrome (MNS). Also called: Melnick-Needles Syndrome (FLNA-MNS); MELNICK-NEEDLES OSTEODYSPLASTY; OSTEODYSPLASTY OF MELNICK AND NEEDLES. Identifiers: Orphanet 2484, MedGen C0025237, MONDO:0010650, OMIM 309350.
Frontometaphyseal dysplasia (FMD1). Identifiers: Orphanet 1826, MedGen C0265293, MONDO:0015942.
Heterotopia, periventricular, X-linked dominant (PVNH1). Also called: X-linked periventricular heterotopia; PERIVENTRICULAR NODULAR HETEROTOPIA 4; HETEROTOPIA, PERIVENTRICULAR, 1; PERIVENTRICULAR NODULAR HETEROTOPIA 1. Identifiers: Orphanet 2149, Orphanet 82004, MedGen C1848213, MONDO:0010233, OMIM 300049.
Oto-palato-digital syndrome, type II (OPD2). Also called: Otopalatodigital Syndrome Type 2 (FLNA-OPD2); FACIOPALATOOSSEOUS SYNDROME; Otopalatodigital Syndrome, Type II; OPD II SYNDROME. Identifiers: Orphanet 669, Orphanet 90652, MedGen C1844696, MONDO:0010571, OMIM 304120.
Familial thoracic aortic aneurysm and aortic dissection (TAAD). Also called: Thoracic aortic aneurysms and dissections. Identifiers: Orphanet 91387, MedGen C4707243, MONDO:0019625.

Allele frequency attached by ClinVar (database versions not stated): gnomAD exomes 0.00009 and 0.00023; ExAC 0.00025; ESP Exome Variant Server 0.00067; TOPMed 0.00081; gnomAD 0.00089 and 0.00093; 1000 Genomes Project 0.00159; 1000 Genomes Project 30x 0.00166.
gnomAD v4.1: 204 of 1,208,247 alleles (0.017%); highest among the groups gnomAD compares: African/African-American, 0.3%; 1 homozygote.

Submissions (8):

Labcorp Genetics (formerly Invitae), Labcorp
Classification: Benign for Oto-palato-digital syndrome, type II; Heterotopia, periventricular, X-linked dominant; Frontometaphyseal dysplasia; Melnick-Needles syndrome. Last evaluated: 2026-01-12. Review status: criteria provided, single submitter. Criteria: Invitae Variant Classification Sherloc (09022015). Collection method: clinical testing. Allele origin: germline.

Women's Health and Genetics/Laboratory Corporation of America, LabCorp
Classification: Benign. Last evaluated: 2024-08-11. Review status: criteria provided, single submitter. Criteria: LabCorp Variant Classification Summary - May 2015. Collection method: clinical testing. Allele origin: germline.

Blueprint Genetics
Classification: Likely benign. Last evaluated: 2024-08-06. Review status: criteria provided, single submitter. Criteria: ACMG Guidelines, 2015. Collection method: clinical testing. Allele origin: germline.

GeneDx
Classification: Likely benign. Last evaluated: 2021-04-28. Review status: criteria provided, single submitter. Criteria: GeneDx Variant Classification Process June 2021. Collection method: clinical testing. Allele origin: germline. Affected: yes.

Ambry Genetics
Classification: Likely benign for Familial thoracic aortic aneurysm and aortic dissection. Last evaluated: 2015-12-24. Review status: criteria provided, single submitter. Criteria: Ambry Variant Classification Scheme 2023. Collection method: clinical testing. Allele origin: germline.

Breakthrough Genomics
Classification: Likely benign. Review status: criteria provided, single submitter. Criteria: ACMG Guidelines, 2015. Collection method: not provided. Allele origin: germline. Inheritance: X-linked inheritance. Affected: yes.

PreventionGenetics, part of Exact Sciences
Classification: Benign for FLNA-related condition. Last evaluated: 2023-02-15. Review status: no assertion criteria provided. Collection method: clinical testing. Allele origin: germline. Not counted in ClinVar's aggregate classification.
Comment: This variant is classified as benign based on ACMG/AMP sequence variant interpretation guidelines (Richards et al. 2015 PMID: 25741868, with internal and published modifications).

Genetic Services Laboratory, University of Chicago
Classification: Likely benign. Last evaluated: 2022-11-29. Review status: no assertion criteria provided. Collection method: clinical testing. Allele origin: germline. Affected: no. Not counted in ClinVar's aggregate classification.